The following is an entry in ClinVar:

ClinVar aggregate classification (germline): Uncertain significance. Review status: criteria provided, multiple submitters, no conflicts (2 of 4 stars). 3 submissions from 3 submitters: Uncertain significance (2). 1 of the submissions does not count toward it. Last evaluated 2022-06-19.

Conditions:
Autosomal recessive nonsyndromic hearing loss 77. Identifiers: Orphanet 90636, MedGen C2746083, MONDO:0013119, OMIM 613079.

Allele frequency attached by ClinVar (database versions not stated): TOPMed 0.00001.
gnomAD v4.1: 20 of 1,543,534 alleles (0.0013%); highest among the groups gnomAD compares: Admixed American, 0.012%; no homozygotes.

Submissions (3):

Labcorp Genetics (formerly Invitae), Labcorp
Classification: Uncertain significance. Last evaluated: 2022-06-19. Review status: criteria provided, single submitter. Criteria: Invitae Variant Classification Sherloc (09022015). Collection method: clinical testing. Allele origin: germline.
Comment: This sequence change replaces arginine, which is basic and polar, with glutamine, which is neutral and polar, at codon 899 of the LOXHD1 protein (p.Arg899Gln). This variant is present in population databases (no rsID available, gnomAD 0.02%). This variant has not been reported in the literature in individuals affected with LOXHD1-related conditions. ClinVar contains an entry for this variant (Variation ID: 505028). Algorithms developed to predict the effect of missense changes on protein structure and function (SIFT, PolyPhen-2, Align-GVGD) all suggest that this variant is likely to be tolerated. Algorithms developed to predict the effect of sequence changes on RNA splicing suggest that this variant may create or strengthen a splice site. This variant disrupts the p.Arg899 amino acid residue in LOXHD1. Other variant(s) that disrupt this residue have been determined to be pathogenic (PMID: 26969326, 29676012, 32860223; Invitae). This suggests that this residue is clinically significant, and that variants that disrupt this residue are likely to be disease-causing. In summary, the available evidence is currently insufficient to determine the role of this variant in disease. Therefore, it has been classified as a Variant of Uncertain Significance.

Laboratory for Molecular Medicine, Mass General Brigham Personalized Medicine
Classification: Uncertain significance. Last evaluated: 2016-05-11. Review status: criteria provided, single submitter. Criteria: LMM Criteria. Collection method: clinical testing. Allele origin: germline. Observed: 1 variant allele.
Comment: The p.Arg899Gln variant in LOXHD1 has not been previously reported in individual s with hearing loss. Data from large population studies is insufficient to asses s the frequency of this variant. Computational prediction tools and conservation analyses do not provide strong support for or against an impact to the protein. In summary, the clinical significance of the p.Arg899Gln variant is uncertain.

Natera, Inc.
Classification: Uncertain significance for Autosomal recessive deafness type 77. Last evaluated: 2020-01-24. Review status: no assertion criteria provided. Collection method: clinical testing. Allele origin: germline. Not counted in ClinVar's aggregate classification.

Literature cited by the submitters: PubMed 26969326 (cited by Labcorp Genetics (formerly Invitae), Labcorp); PubMed 29676012 (cited by Labcorp Genetics (formerly Invitae), Labcorp); PubMed 32860223 (cited by Labcorp Genetics (formerly Invitae), Labcorp).

NM_001384474.1(LOXHD1):c.2696G>A (p.Arg899Gln)

Gene: LOXHD1 (lipoxygenase homology PLAT domains 1; minus strand). Cytogenetic location: 18q21.1.
Variant type: single nucleotide variant.
Coding change: c.2696G>A on transcript NM_001384474.1 (MANE Select); coding-DNA position 2696, G replaced by A.
Protein change: p.Arg899Gln; replaces arginine 899 with glutamine.
Molecular consequence: missense variant.
Genome position (GRCh38, 1-based): chr18:46,560,448, C>T on the plus strand (G>A on the coding strand, the complement: LOXHD1 is on the minus strand). VCF-style: chr18-46560448-C-T. GRCh37 (hg19) VCF-style: chr18-44140411-C-T.
Other names: c.2696G>A, p.Arg899Gln (NM_144612.7); short protein forms R899Q.
Identifiers: ClinVar variation 505028 (VCV000505028.7), dbSNP rs745683775, ClinGen allele CA299794546.